The following is an entry in ClinVar:

ClinVar aggregate classification (germline): Uncertain significance (1 of 4 stars; one submission).

Submission:

Labcorp Genetics (formerly Invitae), Labcorp
Classification: Uncertain significance. Last evaluated: 2022-07-04. Review status: criteria provided, single submitter. Criteria: Invitae Variant Classification Sherloc (09022015). Collection method: clinical testing. Allele origin: germline.
Comment: Algorithms developed to predict the effect of missense changes on protein structure and function are either unavailable or do not agree on the potential impact of this missense change (SIFT: "Deleterious"; PolyPhen-2: "Benign"; Align-GVGD: "Class C0"). In summary, the available evidence is currently insufficient to determine the role of this variant in disease. Therefore, it has been classified as a Variant of Uncertain Significance. This variant has not been reported in the literature in individuals affected with CNGA1-related conditions. This variant is not present in population databases (gnomAD no frequency). This sequence change replaces serine, which is neutral and polar, with phenylalanine, which is neutral and non-polar, at codon 4 of the CNGA1 protein (p.Ser4Phe).

NM_001379270.1(CNGA1):c.-2C>T

Genes: CNGA1 (cyclic nucleotide gated channel subunit alpha 1; minus strand), LOC101927157 (uncharacterized LOC101927157; plus strand). Cytogenetic location: 4p12.
Variant type: single nucleotide variant.
Coding change: c.-2C>T on transcript NM_001379270.1 (MANE Select); 2 bases upstream of the start codon, C replaced by T.
Molecular consequence: 5 prime UTR variant. On other transcripts: missense variant (1).
Genome position (GRCh38, 1-based): chr4:47,952,691, G>A on the plus strand (C>T on the coding strand, the complement: CNGA1 is on the minus strand). VCF-style: chr4-47952691-G-A. GRCh37 (hg19) VCF-style: chr4-47954708-G-A.
Other names: c.-2C>T (NM_000087.5, NM_001142564.2); c.11C>T, p.Ser4Phe (NM_001375386.1); short protein forms S4F.
Identifiers: ClinVar variation 2124042 (VCV002124042.4), dbSNP rs1023989526, ClinGen allele CA96700340.